The following is an entry in ClinVar:

NM_003661.4(APOL1):c.528T>C (p.Asn176=)

Gene: APOL1 (apolipoprotein L1; plus strand). Cytogenetic location: 22q12.3.
Variant type: single nucleotide variant.
Coding change: c.528T>C on transcript NM_003661.4 (MANE Select); coding-DNA position 528, T replaced by C.
Protein change: p.Asn176=; no amino-acid change (asparagine 176 retained).
Molecular consequence: synonymous variant.
Genome position (GRCh38, 1-based): chr22:36,265,364, T>C. VCF-style: chr22-36265364-T-C. GRCh37 (hg19) VCF-style: chr22-36661410-T-C.
Other names: c.528T>C, p.Asn176= (NM_001136540.2); c.474T>C, p.Asn158= (NM_001136541.2, NM_001362927.2); c.576T>C, p.Asn192= (NM_145343.3).
Identifiers: ClinVar variation 3046832 (VCV003046832.2), dbSNP rs149073330, ClinGen allele CA10208698.
Genomic context (GRCh38, chr22:36,265,364, plus strand): 5'-AAGGCTCCGTGCCCTTGCAGATGGGGTTCAGAAGGTCCACAAAGGCACCACCATCGCCAA[T>C]GTGGTGTCTGGCTCTCTCAGCATTTCCTCTGGCATCCTGACCCTCGTCGGCATGGGTCTG-3'
Protein context (NP_003652.2, residues 166-186): QKVHKGTTIA[Asn176=]VVSGSLSISS

ClinVar aggregate classification (germline): Likely benign (0 of 4 stars; one submission).

Conditions:
APOL1-related disorder. Also called: APOL1-related condition.

Allele frequency attached by ClinVar (database versions not stated): ExAC 0.00002; gnomAD 0.00002; TOPMed 0.00003; gnomAD exomes 0.00005; ESP Exome Variant Server 0.00008.
gnomAD v4.1: 81 of 1,612,374 alleles (0.005%); highest among the groups gnomAD compares: Non-Finnish European, 0.0063%; no homozygotes.

Submission:

PreventionGenetics, part of Exact Sciences
Classification: Likely benign for APOL1-related condition. Last evaluated: 2022-12-20. Review status: no assertion criteria provided. Collection method: clinical testing. Allele origin: germline.
Comment: This variant is classified as likely benign based on ACMG/AMP sequence variant interpretation guidelines (Richards et al. 2015 PMID: 25741868, with internal and published modifications).